The following is an entry in ClinVar:

ClinVar aggregate classification (germline): Uncertain significance (1 of 4 stars; one submission).

Allele frequency attached by ClinVar (database versions not stated): TOPMed below 0.00001; gnomAD exomes 0.00001.
gnomAD v4.1: 4 of 1,534,408 alleles (0.00026%); highest among the groups gnomAD compares: Non-Finnish European, 0.00035%; no homozygotes.

Submission:

Labcorp Genetics (formerly Invitae), Labcorp
Classification: Uncertain significance. Last evaluated: 2024-01-02. Review status: criteria provided, single submitter. Criteria: Invitae Variant Classification Sherloc (09022015). Collection method: clinical testing. Allele origin: germline.
Comment: This sequence change replaces proline, which is neutral and non-polar, with arginine, which is basic and polar, at codon 4 of the SLC19A2 protein (p.Pro4Arg). This variant is not present in population databases (gnomAD no frequency). This variant has not been reported in the literature in individuals affected with SLC19A2-related conditions. ClinVar contains an entry for this variant (Variation ID: 2038167). An algorithm developed to predict the effect of missense changes on protein structure and function (PolyPhen-2) suggests that this variant is likely to be tolerated. In summary, the available evidence is currently insufficient to determine the role of this variant in disease. Therefore, it has been classified as a Variant of Uncertain Significance.

NM_006996.3(SLC19A2):c.11C>G (p.Pro4Arg)

Genes: SLC19A2 (solute carrier family 19 member 2; minus strand), LOC129931894 (ATAC-STARR-seq lymphoblastoid silent region 1546; plus strand). Cytogenetic location: 1q24.2.
Variant type: single nucleotide variant.
Coding change: c.11C>G on transcript NM_006996.3 (MANE Select); coding-DNA position 11, C replaced by G.
Protein change: p.Pro4Arg; replaces proline 4 with arginine.
Molecular consequence: missense variant.
Genome position (GRCh38, 1-based): chr1:169,485,756, G>C on the plus strand (C>G on the coding strand, the complement: SLC19A2 is on the minus strand). VCF-style: chr1-169485756-G-C. GRCh37 (hg19) VCF-style: chr1-169454994-G-C.
Other names: c.11C>G, p.Pro4Arg (NM_001319667.1); short protein forms P4R.
Identifiers: ClinVar variation 2038167 (VCV002038167.4), dbSNP rs1658548052, ClinGen allele CA343112652.